The following is an entry in ClinVar:

ClinVar aggregate classification (germline): Uncertain significance (1 of 4 stars; one submission).

Allele frequency attached by ClinVar (database versions not stated): gnomAD 0.00001; TOPMed 0.00001; ExAC 0.00002.
gnomAD v4.1: 22 of 1,613,922 alleles (0.0014%); highest among the groups gnomAD compares: South Asian, 0.016%; 2 homozygotes.

Submission:

Labcorp Genetics (formerly Invitae), Labcorp
Classification: Uncertain significance. Last evaluated: 2023-12-10. Review status: criteria provided, single submitter. Criteria: Invitae Variant Classification Sherloc (09022015). Collection method: clinical testing. Allele origin: germline.
Comment: This sequence change replaces tryptophan, which is neutral and slightly polar, with arginine, which is basic and polar, at codon 365 of the CERKL protein (p.Trp365Arg). This variant is present in population databases (rs755223434, gnomAD 0.02%). This variant has not been reported in the literature in individuals affected with CERKL-related conditions. Advanced modeling of protein sequence and biophysical properties (such as structural, functional, and spatial information, amino acid conservation, physicochemical variation, residue mobility, and thermodynamic stability) performed at Invitae indicates that this missense variant is expected to disrupt CERKL protein function with a positive predictive value of 80%. In summary, the available evidence is currently insufficient to determine the role of this variant in disease. Therefore, it has been classified as a Variant of Uncertain Significance.

NM_201548.5(CERKL):c.1015T>A (p.Trp339Arg)

Gene: CERKL (CERK like autophagy regulator; minus strand). Cytogenetic location: 2q31.3.
Variant type: single nucleotide variant.
Coding change: c.1015T>A on transcript NM_201548.5 (MANE Select); coding-DNA position 1015, T replaced by A.
Protein change: p.Trp339Arg; replaces tryptophan 339 with arginine.
Molecular consequence: missense variant. On other transcripts: non-coding transcript variant (2).
Genome position (GRCh38, 1-based): chr2:181,548,738, A>T on the plus strand (T>A on the coding strand, the complement: CERKL is on the minus strand). VCF-style: chr2-181548738-A-T. GRCh37 (hg19) VCF-style: chr2-182413465-A-T.
Other names: c.1093T>A, p.Trp365Arg (NM_001030311.3); c.676T>A, p.Trp226Arg (NM_001030312.3); c.808T>A, p.Trp270Arg (NM_001030313.3); c.*297T>A (NM_001030314.1, NM_001030315.1); c.961T>A, p.Trp321Arg (NM_001160277.2); short protein forms W226R, W365R, W270R, W321R, W339R.
Identifiers: ClinVar variation 2896401 (VCV002896401.3), dbSNP rs755223434, ClinGen allele CA2010590.